The following is an entry in ClinVar:

ClinVar aggregate classification (germline): Uncertain significance (1 of 4 stars; one submission).

Submission:

Labcorp Genetics (formerly Invitae), Labcorp
Classification: Uncertain significance. Last evaluated: 2024-10-22. Review status: criteria provided, single submitter. Criteria: Invitae Variant Classification Sherloc (09022015). Collection method: clinical testing. Allele origin: germline.
Comment: This sequence change creates a premature translational stop signal (p.Pro132Thrfs*24) in the IL21 gene. While this is not anticipated to result in nonsense mediated decay, it is expected to disrupt the last 31 amino acid(s) of the IL21 protein. This variant is not present in population databases (gnomAD no frequency). This variant has not been reported in the literature in individuals affected with IL21-related conditions. Experimental studies and prediction algorithms are not available or were not evaluated, and the functional significance of this variant is currently unknown. In summary, the available evidence is currently insufficient to determine the role of this variant in disease. Therefore, it has been classified as a Variant of Uncertain Significance.

NM_021803.4(IL21):c.393dup (p.Pro132fs)

Gene: IL21 (interleukin 21; minus strand). Cytogenetic location: 4q27.
Variant type: Duplication.
Coding change: c.393dup on transcript NM_021803.4 (MANE Select); coding-DNA position 393, one base duplicated (A; older notation c.393dupA).
Protein change: p.Pro132fs; shifts the reading frame from proline 132.
Molecular consequence: frameshift variant.
Genome position (GRCh38, 1-based): chr4:122,612,896, T duplicated on the plus strand (A on the coding strand, the reverse complement: IL21 is on the minus strand); the first of 6 consecutive T bases (chr4:122,612,896-122,612,901); duplicating any one gives the same sequence. VCF-style (leftmost placement, unchanged base first): chr4-122612895-G-GT. GRCh37 (hg19) VCF-style: chr4-123534050-G-GT.
Other names: c.393dup, p.Pro132fs (NM_001207006.3); short protein forms P132fs.
Identifiers: ClinVar variation 3684367 (VCV003684367.2).